The following is an entry in ClinVar:

ClinVar aggregate classification (germline): Uncertain significance (1 of 4 stars; one submission).

Allele frequency attached by ClinVar (database versions not stated): gnomAD exomes below 0.00001.
gnomAD v4.1: 1 of 1,613,520 alleles (0.000062%); highest among the groups gnomAD compares: Non-Finnish European, 0.000085%; no homozygotes.

Submission:

GeneDx
Classification: Uncertain significance. Last evaluated: 2022-09-07. Review status: criteria provided, single submitter. Criteria: GeneDx Variant Classification Process June 2021. Collection method: clinical testing. Allele origin: germline. Affected: yes.
Comment: Not observed at significant frequency in large population cohorts (gnomAD); In silico analysis supports that this missense variant does not alter protein structure/function; Has not been previously published as pathogenic or benign to our knowledge

NM_006852.6(TLK2):c.455T>A (p.Val152Glu)

Gene: TLK2 (tousled like kinase 2; plus strand). Cytogenetic location: 17q23.2.
Variant type: single nucleotide variant.
Coding change: c.455T>A on transcript NM_006852.6 (MANE Select); coding-DNA position 455, T replaced by A.
Protein change: p.Val152Glu; replaces valine 152 with glutamic acid.
Molecular consequence: missense variant.
Genome position (GRCh38, 1-based): chr17:62,536,261, T>A. VCF-style: chr17-62536261-T-A. GRCh37 (hg19) VCF-style: chr17-60613622-T-A.
Other names: c.455T>A, p.Val152Glu (NM_001284333.3, NM_001375270.1, NM_001375271.1); c.359T>A, p.Val120Glu (NM_001284363.1, NM_001375272.1, NM_001411074.1); c.8T>A, p.Val3Glu (NM_001330418.3, NM_001375273.1); c.497T>A, p.Val166Glu (NM_001375269.1); short protein forms V120E, V152E, V166E, V3E.
Identifiers: ClinVar variation 2443494 (VCV002443494.1), dbSNP rs2545300037, ClinGen allele CA400517918.